The following is an entry in ClinVar:

ClinVar aggregate classification (germline): Conflicting classifications of pathogenicity. Review status: criteria provided, conflicting classifications (1 of 4 stars). 3 submissions from 3 submitters: Uncertain significance (1); Likely benign (1). 1 of the submissions does not count toward it. Last evaluated 2025-01-23.

Conditions:
COL17A1-related disorder. Also called: COL17A1-related condition.
Junctional epidermolysis bullosa, non-Herlitz type. Also called: EPIDERMOLYSIS BULLOSA JUNCTIONALIS, DISENTIS TYPE; EPIDERMOLYSIS BULLOSA JUNCTIONALIS, NON-HERLITZ TYPE; EPIDERMOLYSIS BULLOSA JUNCTIONALIS, PROGRESSIVE; EPIDERMOLYSIS BULLOSA JUNCTIONALIS, SEVERE NONLETHAL; Adult junctional epidermolysis bullosa; Epidermolysis bullosa, junctional, non-herlitz type, somatic mosaic revertant. Identifiers: Orphanet 251393, Orphanet 79402, Orphanet 79405, Orphanet 89840, MedGen C0268374, MONDO:0009180, OMIM 226650.

Allele frequency attached by ClinVar (database versions not stated): gnomAD 0.00002; TOPMed 0.00003.
gnomAD v4.1: 51 of 1,614,086 alleles (0.0032%); highest among the groups gnomAD compares: East Asian, 0.065%; 1 homozygote.

Submissions (3):

Labcorp Genetics (formerly Invitae), Labcorp
Classification: Likely benign. Last evaluated: 2025-01-23. Review status: criteria provided, single submitter. Criteria: Invitae Variant Classification Sherloc (09022015). Collection method: clinical testing. Allele origin: germline.

Illumina Laboratory Services, Illumina
Classification: Uncertain significance for Junctional epidermolysis bullosa, non-Herlitz type. Last evaluated: 2018-01-13. Review status: criteria provided, single submitter. Criteria: ICSL Variant Classification Criteria 13 December 2019. Collection method: clinical testing. Allele origin: germline.

PreventionGenetics, part of Exact Sciences
Classification: Likely benign for COL17A1-related condition. Last evaluated: 2019-03-08. Review status: no assertion criteria provided. Collection method: clinical testing. Allele origin: germline. Not counted in ClinVar's aggregate classification.
Comment: This variant is classified as likely benign based on ACMG/AMP sequence variant interpretation guidelines (Richards et al. 2015 PMID: 25741868, with internal and published modifications).

NM_000494.4(COL17A1):c.1557A>C (p.Ile519=)

Gene: COL17A1 (collagen type XVII alpha 1 chain; minus strand). Cytogenetic location: 10q25.1.
Variant type: single nucleotide variant.
Coding change: c.1557A>C on transcript NM_000494.4 (MANE Select); coding-DNA position 1557, A replaced by C.
Protein change: p.Ile519=; no amino-acid change (isoleucine 519 retained).
Molecular consequence: synonymous variant.
Genome position (GRCh38, 1-based): chr10:104,055,912, T>G on the plus strand (A>C on the coding strand, the complement: COL17A1 is on the minus strand). VCF-style: chr10-104055912-T-G. GRCh37 (hg19) VCF-style: chr10-105815670-T-G.
Other names: c.1557A>C, p.Ile519= (LRG_1249t1).
Identifiers: ClinVar variation 298731 (VCV000298731.10), dbSNP rs780065996, ClinGen allele CA5678991.